The following is an entry in ClinVar:

ClinVar aggregate classification (germline): Uncertain significance (1 of 4 stars; one submission).

Conditions:
Intellectual developmental disorder, X-linked 97. Also called: Intellectual disability, X-linked 97. Identifiers: Orphanet 777, MedGen C2749020, MONDO:0010430, OMIM 300803.

Submission:

Laboratorio de Genetica e Diagnostico Molecular, Hospital Israelita Albert Einstein
Classification: Uncertain significance for Intellectual developmental disorder, X-linked 97. Last evaluated: 2025-08-22. Review status: criteria provided, single submitter. Criteria: ACMG Guidelines, 2015. Collection method: clinical testing. Allele origin: germline. Affected: yes.
Comment: ACMG classification criteria: PM2 supporting, BP4 supporting

NM_001330574.2(ZNF711):c.1115A>G (p.Asp372Gly)

Gene: ZNF711 (ZFX family zinc finger ZNF711; plus strand). Cytogenetic location: Xq21.1.
Variant type: single nucleotide variant.
Coding change: c.1115A>G on transcript NM_001330574.2 (MANE Select); coding-DNA position 1115, A replaced by G.
Protein change: p.Asp372Gly; replaces aspartic acid 372 with glycine.
Molecular consequence: missense variant.
Genome position (GRCh38, 1-based): chrX:85,270,015, A>G. VCF-style: chrX-85270015-A-G. GRCh37 (hg19) VCF-style: chrX-84525021-A-G.
Other names: c.1115A>G, p.Asp372Gly (NM_001375431.1, NM_001375432.1, NM_001375433.1); c.977A>G, p.Asp326Gly (NM_001375434.1, NM_001375435.1, NM_001375436.1 and 2 more transcripts); short protein forms D326G, D372G.
Identifiers: ClinVar variation 4846971 (VCV004846971.1).